The following is an entry in ClinVar:

NM_004006.3(DMD):c.10406A>G (p.His3469Arg)

Gene: DMD (dystrophin; minus strand). Cytogenetic location: Xp21.2.
Variant type: single nucleotide variant.
Coding change: c.10406A>G on transcript NM_004006.3 (MANE Select); coding-DNA position 10406, A replaced by G.
Protein change: p.His3469Arg; replaces histidine 3469 with arginine.
Molecular consequence: missense variant. On other transcripts: intron variant (2).
Genome position (GRCh38, 1-based): chrX:31,169,590, T>C on the plus strand (A>G on the coding strand, the complement: DMD is on the minus strand). VCF-style: chrX-31169590-T-C. GRCh37 (hg19) VCF-style: chrX-31187707-T-C.
Other names: c.10382A>G, p.His3461Arg (NM_000109.4); c.10394A>G, p.His3465Arg (NM_004009.3); c.10037A>G, p.His3346Arg (NM_004010.3); c.6383A>G, p.His2128Arg (NM_004011.4); c.6374A>G, p.His2125Arg (NM_004012.4); c.3026A>G, p.His1009Arg (NM_004013.3, NM_004021.3); c.2219A>G, p.His740Arg (NM_004014.3); c.1202A>G, p.His401Arg (NM_004015.3, NM_004016.3); and 3 more; short protein forms H1009R, H2125R, H2128R, H3346R, H3461R, H3465R, H3469R, H388R.
Identifiers: ClinVar variation 3896564 (VCV003896564.2).

ClinVar aggregate classification (germline): Uncertain significance (1 of 4 stars; one submission).

Submission:

Women's Health and Genetics/Laboratory Corporation of America, LabCorp
Classification: Uncertain significance. Last evaluated: 2025-04-29. Review status: criteria provided, single submitter. Criteria: LabCorp Variant Classification Summary - May 2015. Collection method: clinical testing. Allele origin: germline.
Comment: Variant summary: DMD c.10406A>G (p.His3469Arg) results in a non-conservative amino acid change in the encoded protein sequence. Three of five in-silico tools predict a damaging effect of the variant on protein function. The variant was absent in 161889 control chromosomes. The available data on variant occurrences in the general population are insufficient to allow any conclusion about variant significance. To our knowledge, no occurrence of c.10406A>G in individuals affected with Dystrophinopathies and no experimental evidence demonstrating its impact on protein function have been reported. No submitters have cited clinical-significance assessments for this variant to ClinVar. Based on the evidence outlined above, the variant was classified as uncertain significance.